The following is an entry in ClinVar:

ClinVar aggregate classification (germline): Conflicting classifications of pathogenicity. Review status: criteria provided, conflicting classifications (1 of 4 stars). 2 submissions from 2 submitters: Uncertain significance (1); Likely benign (1). Last evaluated 2024-02-28.

Conditions:
Tumor predisposition syndrome 3 (TPDS3). Also called: Melanoma, cutaneous malignant, susceptibility to, 10; Glioma susceptibility 9; LONG TELOMERE SYNDROME, POT1-RELATED; POT1 Tumor Predisposition. Identifiers: Orphanet 618, MedGen C4014476, MONDO:0014368, OMIM 615848.
Hereditary cancer-predisposing syndrome. Also called: Neoplastic Syndromes, Hereditary; Hereditary Cancer Syndrome; Hereditary neoplastic syndrome; Tumor predisposition. Identifiers: Orphanet 140162, MedGen C0027672, MeSH D009386, MONDO:0015356.

Allele frequency attached by ClinVar (database versions not stated): gnomAD exomes below 0.00001.
gnomAD v4.1: 2 of 1,547,906 alleles (0.00013%); highest among the groups gnomAD compares: Non-Finnish European, 0.000089%; no homozygotes.

Submissions (2):

Ambry Genetics
Classification: Likely benign for Hereditary cancer-predisposing syndrome. Last evaluated: 2024-02-28. Review status: criteria provided, single submitter. Criteria: Ambry Variant Classification Scheme 2023. Collection method: clinical testing. Allele origin: germline.

Labcorp Genetics (formerly Invitae), Labcorp
Classification: Uncertain significance for Tumor predisposition syndrome 3. Last evaluated: 2020-03-02. Review status: criteria provided, single submitter. Criteria: Invitae Variant Classification Sherloc (09022015). Collection method: clinical testing. Allele origin: germline.
Comment: This sequence change replaces glutamine with arginine at codon 505 of the POT1 protein (p.Gln505Arg). The glutamine residue is moderately conserved and there is a small physicochemical difference between glutamine and arginine. In summary, the available evidence is currently insufficient to determine the role of this variant in disease. Therefore, it has been classified as a Variant of Uncertain Significance. Algorithms developed to predict the effect of missense changes on protein structure and function (SIFT, PolyPhen-2, Align-GVGD) all suggest that this variant is likely to be tolerated, but these predictions have not been confirmed by published functional studies and their clinical significance is uncertain. This variant has not been reported in the literature in individuals with POT1-related conditions. This variant is not present in population databases (ExAC no frequency).

NM_015450.3(POT1):c.1514A>G (p.Gln505Arg)

Gene: POT1 (protection of telomeres 1; minus strand). Cytogenetic location: 7q31.33.
Variant type: single nucleotide variant.
Coding change: c.1514A>G on transcript NM_015450.3 (MANE Select); coding-DNA position 1514, A replaced by G.
Protein change: p.Gln505Arg; replaces glutamine 505 with arginine.
Molecular consequence: missense variant. On other transcripts: non-coding transcript variant (2).
Genome position (GRCh38, 1-based): chr7:124,829,334, T>C on the plus strand (A>G on the coding strand, the complement: POT1 is on the minus strand). VCF-style: chr7-124829334-T-C. GRCh37 (hg19) VCF-style: chr7-124469388-T-C.
Other names: c.1121A>G, p.Gln374Arg (NM_001042594.2); short protein forms Q374R, Q505R.
Identifiers: ClinVar variation 1044771 (VCV001044771.11), dbSNP rs1794705650, ClinGen allele CA369064680.